The following is an entry in ClinVar:

ClinVar aggregate classification (germline): Uncertain significance. Review status: criteria provided, multiple submitters, no conflicts (2 of 4 stars). 3 submissions from 3 submitters: Uncertain significance (3). Last evaluated 2024-02-21.

Conditions:
Inborn genetic diseases. Identifiers: MedGen C0950123, MeSH D030342.
MEGF8-related Carpenter syndrome. Also called: Carpenter syndrome 2. Identifiers: Orphanet 65759, MedGen C3554247, MONDO:0013998, OMIM 614976.

Allele frequency attached by ClinVar (database versions not stated): gnomAD exomes 0.00002 and 0.00003; ExAC 0.00003; TOPMed 0.00005; gnomAD 0.00002.
gnomAD v4.1: 45 of 1,613,676 alleles (0.0028%); highest among the groups gnomAD compares: Middle Eastern, 0.066%; no homozygotes.

Submissions (3):

Ambry Genetics
Classification: Uncertain significance for Inborn genetic diseases. Last evaluated: 2024-02-21. Review status: criteria provided, single submitter. Criteria: Ambry Variant Classification Scheme 2023. Collection method: clinical testing. Allele origin: germline.

Labcorp Genetics (formerly Invitae), Labcorp
Classification: Uncertain significance for MEGF8-related Carpenter syndrome. Last evaluated: 2022-09-13. Review status: criteria provided, single submitter. Criteria: Invitae Variant Classification Sherloc (09022015). Collection method: clinical testing. Allele origin: germline.
Comment: This sequence change replaces arginine, which is basic and polar, with cysteine, which is neutral and slightly polar, at codon 138 of the MEGF8 protein (p.Arg138Cys). This variant is present in population databases (rs760894078, gnomAD 0.02%). This variant has not been reported in the literature in individuals affected with MEGF8-related conditions. ClinVar contains an entry for this variant (Variation ID: 498690). Algorithms developed to predict the effect of missense changes on protein structure and function (SIFT, PolyPhen-2, Align-GVGD) all suggest that this variant is likely to be tolerated. In summary, the available evidence is currently insufficient to determine the role of this variant in disease. Therefore, it has been classified as a Variant of Uncertain Significance.

Eurofins Ntd Llc (ga)
Classification: Uncertain significance. Last evaluated: 2016-11-16. Review status: criteria provided, single submitter. Criteria: EGL Classification Definitions 2015. Collection method: clinical testing. Allele origin: germline. Observed: 1 variant allele, 1 homozygote.

NM_001271938.2(MEGF8):c.412C>T (p.Arg138Cys)

Gene: MEGF8 (multiple EGF like domains 8; plus strand). Cytogenetic location: 19q13.2.
Variant type: single nucleotide variant.
Coding change: c.412C>T on transcript NM_001271938.2 (MANE Select); coding-DNA position 412, C replaced by T.
Protein change: p.Arg138Cys; replaces arginine 138 with cysteine.
Molecular consequence: missense variant.
Genome position (GRCh38, 1-based): chr19:42,334,067, C>T. VCF-style: chr19-42334067-C-T. GRCh37 (hg19) VCF-style: chr19-42838219-C-T.
Other names: c.412C>T, p.Arg138Cys (NM_001410.3); c.412C>T (NM_001410.2); short protein forms R138C.
Identifiers: ClinVar variation 498690 (VCV000498690.11), dbSNP rs760894078, ClinGen allele CA9474168.